The following is an entry in ClinVar:

ClinVar aggregate classification (germline): Uncertain significance (1 of 4 stars; one submission).

Submission:

Labcorp Genetics (formerly Invitae), Labcorp
Classification: Uncertain significance. Last evaluated: 2021-08-11. Review status: criteria provided, single submitter. Criteria: Invitae Variant Classification Sherloc (09022015). Collection method: clinical testing. Allele origin: germline.
Comment: This variant results in a copy number gain of the genomic region encompassing exon(s) 14-19 of the TFRC gene. This region includes the termination codon of the gene. This copy number gain extends beyond the assayed region for this gene and therefore may encompass additional genes. As the precise location of this event is unknown, it may be in tandem or it may be located elsewhere in the genome. This variant has not been reported in the literature in individuals affected with TFRC-related conditions. Experimental studies and prediction algorithms are not available or were not evaluated, and the functional significance of this variant is currently unknown. In summary, the available evidence is currently insufficient to determine the role of this variant in disease. Therefore, it has been classified as a Variant of Uncertain Significance.

NC_000003.11:g.(?_195778813)_(195787138_?)dup

Gene: TFRC (transferrin receptor; minus strand). Cytogenetic location: 3q29.
Variant type: Duplication.
Identifiers: ClinVar variation 1410790 (VCV001410790.4).